The following is an entry in ClinVar:

NM_002272.4(KRT4):c.1430G>T (p.Gly477Val)

Gene: KRT4 (keratin 4; minus strand). Cytogenetic location: 12q13.13.
Variant type: single nucleotide variant.
Coding change: c.1430G>T on transcript NM_002272.4 (MANE Select); coding-DNA position 1430, G replaced by T.
Protein change: p.Gly477Val; replaces glycine 477 with valine.
Molecular consequence: missense variant.
Genome position (GRCh38, 1-based): chr12:52,807,202, C>A on the plus strand (G>T on the coding strand, the complement: KRT4 is on the minus strand). VCF-style: chr12-52807202-C-A. GRCh37 (hg19) VCF-style: chr12-53200986-C-A.
Other names: short protein forms G477V.
Identifiers: ClinVar variation 3354323 (VCV003354323.2).
Genomic context (GRCh38, chr12:52,807,202, plus strand): 5'-CCAAAGCCACTTCCAGAGCCGGAGCCAAAGCCACTACTCAGGCCAAACCCGGAGCCACTT[C>A]CTAATCCTCCGCTGATGCCTCCAGTGCTGGTGCTACCGCTGACCACAGCTGCAGAAAAGA-3'
Protein context (NP_002263.3, residues 467-487): TSTGGISGGL[Gly477Val]SGSGFGLSSG

ClinVar aggregate classification (germline): Uncertain significance (1 of 4 stars; one submission).

Conditions:
KRT4-related disorder. Also called: KRT4-related condition.

Submission:

PreventionGenetics, part of Exact Sciences
Classification: Uncertain significance for KRT4-related condition. Last evaluated: 2026-08-06. Review status: criteria provided, single submitter. Criteria: ACMG Guidelines, 2015. Collection method: clinical testing. Allele origin: germline.
Comment: The KRT4 c.1430G>T variant is predicted to result in the amino acid substitution p.Gly477Val. To our knowledge, this variant has not been reported in the literature or in a large population database (gnomAD), indicating this variant is rare. At this time, the clinical significance of this variant is uncertain due to the absence of conclusive functional and genetic evidence.